The following is an entry in ClinVar:

NM_001015877.2(PHF6):c.1077GCA[1] (p.Gln361del)

Gene: PHF6 (PHD finger protein 6; plus strand). Cytogenetic location: Xq26.2.
Variant type: Microsatellite.
Coding change: c.1077GCA[1] on transcript NM_001015877.2 (MANE Select); one copy of the 3-base unit GCA starting at c.1077; the reference has two copies in a row; one copy, 3 bases deleted.
Protein change: p.Gln361del; deletes glutamine 361.
Genome position (GRCh38, 1-based): chrX:134,425,312-134,425,314, GCA deleted; deleting any 3 consecutive bases within chrX:134,425,307-134,425,314 gives the same sequence; the position shown is the placement nearest the transcript's 3' end. VCF-style (leftmost placement, unchanged base first): chrX-134425306-TCAG-T. GRCh37 (hg19) VCF-style: chrX-133559336-TCAG-T.
Other names: c.1077GCA[1], p.Gln361del (NM_032458.3); short protein forms Q361del.
Identifiers: ClinVar variation 4780484 (VCV004780484.1).

ClinVar aggregate classification (germline): Uncertain significance (1 of 4 stars; one submission).

Conditions:
Borjeson-Forssman-Lehmann syndrome (BFLS). Also called: MENTAL RETARDATION, X-LINKED, SYNDROMIC, BORJESON-FORSSMAN-LEHMANN TYPE; MENTAL RETARDATION, EPILEPSY, AND ENDOCRINE DISORDERS; BORJESON SYNDROME. Identifiers: Orphanet 127, MedGen C0265339, MONDO:0010537, OMIM 301900.

Submission:

Labcorp Genetics (formerly Invitae), Labcorp
Classification: Uncertain significance for Borjeson-Forssman-Lehmann syndrome. Last evaluated: 2025-10-01. Review status: criteria provided, single submitter. Criteria: Invitae Variant Classification Sherloc (09022015). Collection method: clinical testing. Allele origin: germline.
Comment: This variant, c.1080_1082del, results in the deletion of 1 amino acid(s) of the PHF6 protein (p.Gln361del), but otherwise preserves the integrity of the reading frame. This variant is not present in population databases (gnomAD no frequency). This variant has not been reported in the literature in individuals affected with PHF6-related conditions. Experimental studies and prediction algorithms are not available or were not evaluated, and the functional significance of this variant is currently unknown. In summary, the available evidence is currently insufficient to determine the role of this variant in disease. Therefore, it has been classified as a Variant of Uncertain Significance.